The following is an entry in ClinVar:

NM_000719.7(CACNA1C):c.5444+618C>T

Genes: CACNA1C (calcium voltage-gated channel subunit alpha1 C; plus strand), CACNA1C-AS1 (CACNA1C antisense RNA 1; minus strand). Cytogenetic location: 12p13.33.
Variant type: single nucleotide variant.
Coding change: c.5444+618C>T on transcript NM_000719.7 (MANE Select); 618 bases into the intron after coding-DNA position 5444, C replaced by T.
Molecular consequence: intron variant. On other transcripts: synonymous variant (1).
Genome position (GRCh38, 1-based): chr12:2,680,414, C>T. VCF-style: chr12-2680414-C-T. GRCh37 (hg19) VCF-style: chr12-2789580-C-T.
Other names: c.5463C>T, p.Gly1821= (NM_001167625.2); c.5444+618C>T (NM_001167624.3, NM_001167623.2, NM_001129840.2 and 4 more transcripts); c.5588+618C>T (NM_199460.4, NM_001129827.2); c.5504+618C>T (NM_001129832.2); c.5528+618C>T (NM_001129831.2); c.5501+618C>T (NM_001129833.2, NM_001129834.2, NM_001129835.2); c.5567+618C>T (NM_001129829.2); c.5468+618C>T (NM_001129837.2, NM_001129838.2); and 4 more.
Identifiers: ClinVar variation 381099 (VCV000381099.2), dbSNP rs1057520958, ClinGen allele CA16606253.

ClinVar aggregate classification (germline): Likely benign. Review status: criteria provided, multiple submitters, no conflicts (2 of 4 stars). 2 submissions from 2 submitters: Likely benign (2). Last evaluated 2022-10-19.

gnomAD v4.1: 1 of 1,560,784 alleles (0.000064%); highest among the groups gnomAD compares: Non-Finnish European, 0.000087%; no homozygotes.

Submissions (2):

Blueprint Genetics
Classification: Likely benign. Last evaluated: 2022-10-19. Review status: criteria provided, single submitter. Criteria: ACMG Guidelines, 2015. Collection method: clinical testing. Allele origin: germline.

GeneDx
Classification: Likely benign. Last evaluated: 2015-10-28. Review status: criteria provided, single submitter. Criteria: GeneDx Variant Classification (06012015). Collection method: clinical testing. Allele origin: germline. Affected: yes.
Comment: This variant is considered likely benign or benign based on one or more of the following criteria: it is a conservative change, it occurs at a poorly conserved position in the protein, it is predicted to be benign by multiple in silico algorithms, and/or has population frequency not consistent with disease.